The following is an entry in ClinVar:

NM_021954.4(GJA3):c.163A>G (p.Asn55Asp)

Gene: GJA3 (gap junction protein alpha 3; minus strand). Cytogenetic location: 13q12.11.
Variant type: single nucleotide variant.
Coding change: c.163A>G on transcript NM_021954.4 (MANE Select); coding-DNA position 163, A replaced by G.
Protein change: p.Asn55Asp; replaces asparagine 55 with aspartic acid.
Molecular consequence: missense variant.
Genome position (GRCh38, 1-based): chr13:20,143,126, T>C on the plus strand (A>G on the coding strand, the complement: GJA3 is on the minus strand). VCF-style: chr13-20143126-T-C. GRCh37 (hg19) VCF-style: chr13-20717265-T-C.
Other names: short protein forms N55D.
Identifiers: ClinVar variation 3253684 (VCV003253684.1), dbSNP rs2500174032.
Genomic context (GRCh38, chr13:20,143,126, plus strand): 5'-TGTGGGAGATGGGGAAGGCCCTGTCGTAGCAGACGTTCTCGCAGCCCGGCTGCTGGGTGT[T>C]GCAGGTGAAGTCTGACTGCTCATCGCCCCACACGTCCTCCGCCGCGGCCCCCAGCACCAA-3'
Protein context (NP_068773.2, residues 45-65): WGDEQSDFTC[Asn55Asp]TQQPGCENVC

ClinVar aggregate classification (germline): Uncertain significance (1 of 4 stars; one submission).

Conditions:
Cataract 14 multiple types. Also called: CATARACT 14, ZONULAR PULVERULENT; CATARACT 14, NUCLEAR PULVERULENT; CATARACT 14, NUCLEAR PULVERULENT AND POSTERIOR POLAR; CATARACT 14, NUCLEAR CORALLIFORM; CATARACT 14, EMBRYONAL NUCLEAR; CATARACT 14, COPPOCK-LIKE. Identifiers: Orphanet 91492, MedGen C1866078, MONDO:0011162, OMIM 601885.

Submission:

Dept. Genetics and Cancer, Menzies Institute for Medical Research, University of Tasmania
Classification: Uncertain significance for Cataract 14 multiple types. Last evaluated: 2023-01-21. Review status: criteria provided, single submitter. Criteria: ACMG Guidelines, 2015. Collection method: curation. Allele origin: germline. Affected: yes.
Comment: Variant identified and curated during a GJA3 specific review of the literature in relation to pediatric or congenital cataract. ACMG-AMP criteria applied: PM1, PM2(Supporting) PP3. Original variant report: PMID:24728566. The cataract phenotype reported for this variant is: Nuclear. Gene review and curation guidelines are outlined in: DOI 10.1080/17469899.2023.2160320

Literature cited by the submitters: PubMed 24728566.